The following is an entry in ClinVar:

ClinVar aggregate classification (germline): Uncertain significance. Review status: criteria provided, multiple submitters, no conflicts (2 of 4 stars). 2 submissions from 2 submitters: Uncertain significance (2). Last evaluated 2026-01-13.

Conditions:
MKKS-related disorder. Also called: MKKS-related disorders; MKKS-related condition.
McKusick-Kaufman syndrome (MKKS). Also called: HYDROMETROCOLPOS SYNDROME; HYDROMETROCOLPOS, POSTAXIAL POLYDACTYLY, AND CONGENITAL HEART MALFORMATION. Identifiers: Orphanet 2473, MedGen C0948368, MONDO:0009367, OMIM 236700.
Bardet-Biedl syndrome (BBS). Identifiers: Orphanet 110, MedGen C0752166, MONDO:0015229.

Allele frequency attached by ClinVar (database versions not stated): gnomAD exomes 0.00001 and 0.00002.
gnomAD v4.1: 26 of 1,611,160 alleles (0.0016%); highest among the groups gnomAD compares: Non-Finnish European, 0.002%; no homozygotes.

Submissions (2):

PreventionGenetics, part of Exact Sciences
Classification: Uncertain significance for MKKS-related condition. Last evaluated: 2026-01-13. Review status: criteria provided, single submitter. Criteria: ACMG Guidelines, 2015. Collection method: clinical testing. Allele origin: germline.
Comment: The MKKS c.1274C>T variant is predicted to result in the amino acid substitution p.Thr425Ile. To our knowledge, this variant has not been reported in the literature. This variant is reported in 0.0023% of alleles in individuals of European (Non-Finnish) descent in gnomAD. At this time, the clinical significance of this variant is uncertain due to the absence of conclusive functional and genetic evidence.

Labcorp Genetics (formerly Invitae), Labcorp
Classification: Uncertain significance for McKusick-Kaufman syndrome; Bardet-Biedl syndrome. Last evaluated: 2022-03-10. Review status: criteria provided, single submitter. Criteria: Invitae Variant Classification Sherloc (09022015). Collection method: clinical testing. Allele origin: germline.
Comment: In summary, the available evidence is currently insufficient to determine the role of this variant in disease. Therefore, it has been classified as a Variant of Uncertain Significance. Algorithms developed to predict the effect of missense changes on protein structure and function output the following: SIFT: "Tolerated"; PolyPhen-2: "Benign"; Align-GVGD: "Class C0". The isoleucine amino acid residue is found in multiple mammalian species, which suggests that this missense change does not adversely affect protein function. ClinVar contains an entry for this variant (Variation ID: 1041617). This variant has not been reported in the literature in individuals affected with MKKS-related conditions. This variant is present in population databases (no rsID available, gnomAD 0.002%). This sequence change replaces threonine, which is neutral and polar, with isoleucine, which is neutral and non-polar, at codon 425 of the MKKS protein (p.Thr425Ile).

NM_170784.3(MKKS):c.1274C>T (p.Thr425Ile)

Gene: MKKS (MKKS centrosomal shuttling protein; minus strand). Cytogenetic location: 20p12.2.
Variant type: single nucleotide variant.
Coding change: c.1274C>T on transcript NM_170784.3 (MANE Select); coding-DNA position 1274, C replaced by T.
Protein change: p.Thr425Ile; replaces threonine 425 with isoleucine.
Molecular consequence: missense variant. On other transcripts: non-coding transcript variant (1).
Genome position (GRCh38, 1-based): chr20:10,405,686, G>A on the plus strand (C>T on the coding strand, the complement: MKKS is on the minus strand). VCF-style: chr20-10405686-G-A. GRCh37 (hg19) VCF-style: chr20-10386334-G-A.
Other names: c.1274C>T, p.Thr425Ile (NM_018848.3); short protein forms T425I.
Identifiers: ClinVar variation 1041617 (VCV001041617.7), dbSNP rs951838467, ClinGen allele CA311318966.